The following is an entry in ClinVar:

NM_006947.4(SRP72):c.175G>A (p.Gly59Arg)

Gene: SRP72 (signal recognition particle 72; plus strand). Cytogenetic location: 4q12.
Variant type: single nucleotide variant.
Coding change: c.175G>A on transcript NM_006947.4 (MANE Select); coding-DNA position 175, G replaced by A.
Protein change: p.Gly59Arg; replaces glycine 59 with arginine.
Molecular consequence: missense variant. On other transcripts: non-coding transcript variant (1).
Genome position (GRCh38, 1-based): chr4:56,469,718, G>A. VCF-style: chr4-56469718-G-A. GRCh37 (hg19) VCF-style: chr4-57335884-G-A.
Other names: c.175G>A, p.Gly59Arg (NM_001267722.2); short protein forms G59R.
Identifiers: ClinVar variation 3449441 (VCV003449441.4).

ClinVar aggregate classification (germline): Uncertain significance. Review status: criteria provided, multiple submitters, no conflicts (2 of 4 stars). 2 submissions from 2 submitters: Uncertain significance (2). Last evaluated 2026-08-03.

gnomAD v4.1: 1 of 1,612,788 alleles (0.000062%); highest among the groups gnomAD compares: Non-Finnish European, 0.000085%; no homozygotes.

Submissions (2):

Ambry Genetics
Classification: Uncertain significance. Last evaluated: 2026-08-03. Review status: criteria provided, single submitter. Criteria: Ambry Variant Classification Scheme 2023. Collection method: clinical testing. Allele origin: germline.
Comment: The p.G59R variant (also known as c.175G>A), located in coding exon 2 of the SRP72 gene, results from a G to A substitution at nucleotide position 175. The glycine at codon 59 is replaced by arginine, an amino acid with dissimilar properties. This amino acid position is conserved. In addition, the in silico prediction for this alteration is inconclusive. Based on the available evidence, the clinical significance of this variant remains unclear.

Labcorp Genetics (formerly Invitae), Labcorp
Classification: Uncertain significance. Last evaluated: 2024-01-31. Review status: criteria provided, single submitter. Criteria: Invitae Variant Classification Sherloc (09022015). Collection method: clinical testing. Allele origin: germline.
Comment: This sequence change replaces glycine, which is neutral and non-polar, with arginine, which is basic and polar, at codon 59 of the SRP72 protein (p.Gly59Arg). This variant is not present in population databases (gnomAD no frequency). This variant has not been reported in the literature in individuals affected with SRP72-related conditions. Advanced modeling of protein sequence and biophysical properties (such as structural, functional, and spatial information, amino acid conservation, physicochemical variation, residue mobility, and thermodynamic stability) performed at Invitae indicates that this missense variant is not expected to disrupt SRP72 protein function with a negative predictive value of 80%. In summary, the available evidence is currently insufficient to determine the role of this variant in disease. Therefore, it has been classified as a Variant of Uncertain Significance.